The following is an entry in ClinVar:

ClinVar aggregate classification (germline): Uncertain significance. Review status: criteria provided, multiple submitters, no conflicts (2 of 4 stars). 2 submissions from 2 submitters: Uncertain significance (2). Last evaluated 2026-01-12.

Conditions:
Inborn genetic diseases. Identifiers: MedGen C0950123, MeSH D030342.
Developmental and epileptic encephalopathy, 14 (DEE14). Also called: Early infantile epileptic encephalopathy 14. Identifiers: Orphanet 293181, MedGen C3554195, MONDO:0013989, OMIM 614959.
Autosomal dominant nocturnal frontal lobe epilepsy 5. Also called: KCNT1-Related Epilepsy; CILIARY DYSKINESIA, PRIMARY, 28, WITH SITUS INVERSUS; Epilepsy, nocturnal frontal lobe, 5; CILIARY DYSKINESIA, PRIMARY, 28, WITHOUT SITUS INVERSUS. Identifiers: Orphanet 98784, MedGen C3554306, MONDO:0014002, OMIM 615005.

gnomAD v4.1: 32 of 1,613,184 alleles (0.002%); highest among the groups gnomAD compares: Non-Finnish European, 0.0023%; no homozygotes.

Submissions (2):

Labcorp Genetics (formerly Invitae), Labcorp
Classification: Uncertain significance for Autosomal dominant nocturnal frontal lobe epilepsy 5; Developmental and epileptic encephalopathy, 14. Last evaluated: 2026-01-12. Review status: criteria provided, single submitter. Criteria: Invitae Variant Classification Sherloc (09022015). Collection method: clinical testing. Allele origin: germline.
Comment: This sequence change replaces threonine, which is neutral and polar, with methionine, which is neutral and non-polar, at codon 191 of the KCNT1 protein (p.Thr191Met). This variant is present in population databases (no rsID available, gnomAD 0.06%). This variant has not been reported in the literature in individuals affected with KCNT1-related conditions. ClinVar contains an entry for this variant (Variation ID: 1446656). Invitae Evidence Modeling of protein sequence and biophysical properties (such as structural, functional, and spatial information, amino acid conservation, physicochemical variation, residue mobility, and thermodynamic stability) indicates that this missense variant is not expected to disrupt KCNT1 protein function with a negative predictive value of 80%. In summary, the available evidence is currently insufficient to determine the role of this variant in disease. Therefore, it has been classified as a Variant of Uncertain Significance.

Ambry Genetics
Classification: Uncertain significance for Inborn genetic diseases. Last evaluated: 2021-02-25. Review status: criteria provided, single submitter. Criteria: Ambry Variant Classification Scheme 2023. Collection method: clinical testing. Allele origin: germline.

NM_020822.3(KCNT1):c.572C>T (p.Thr191Met)

Gene: KCNT1 (potassium sodium-activated channel subfamily T member 1; plus strand). Cytogenetic location: 9q34.3.
Variant type: single nucleotide variant.
Coding change: c.572C>T on transcript NM_020822.3 (MANE Select); coding-DNA position 572, C replaced by T.
Protein change: p.Thr191Met; replaces threonine 191 with methionine.
Molecular consequence: missense variant.
Genome position (GRCh38, 1-based): chr9:135,756,904, C>T. VCF-style: chr9-135756904-C-T. GRCh37 (hg19) VCF-style: chr9-138648750-C-T.
Other names: c.572C>T (NM_020822.2); c.428C>T, p.Thr143Met (NM_001272003.2); short protein forms T143M, T191M.
Identifiers: ClinVar variation 1446656 (VCV001446656.13), dbSNP rs1429039180, ClinGen allele CA375497058.